The following is an entry in ClinVar:

ClinVar aggregate classification (germline): Uncertain significance (1 of 4 stars; one submission).

Conditions:
X-linked myopathy with postural muscle atrophy. Also called: FHL1-Related Emery-Dreifuss Muscular Dystrophy, X-Linked. Identifiers: Orphanet 178461, MedGen C2678055, MONDO:0010401, OMIM 300696.

Submission:

Labcorp Genetics (formerly Invitae), Labcorp
Classification: Uncertain significance for X-linked myopathy with postural muscle atrophy. Last evaluated: 2024-12-22. Review status: criteria provided, single submitter. Criteria: Invitae Variant Classification Sherloc (09022015). Collection method: clinical testing. Allele origin: germline.
Comment: This sequence change falls in intron 6 of the FHL1 gene. It does not directly change the encoded amino acid sequence of the FHL1 protein. It affects a nucleotide within the consensus splice site. This variant is not present in population databases (gnomAD no frequency). This variant has not been reported in the literature in individuals affected with FHL1-related conditions. Variants that disrupt the consensus splice site are a relatively common cause of aberrant splicing (PMID: 17576681, 9536098). Algorithms developed to predict the effect of sequence changes on RNA splicing suggest that this variant is not likely to affect RNA splicing. In summary, the available evidence is currently insufficient to determine the role of this variant in disease. Therefore, it has been classified as a Variant of Uncertain Significance.

Literature cited by the submitters: PubMed 17576681; PubMed 9536098.

NM_001159699.2(FHL1):c.737-3C>T

Gene: FHL1 (four and a half LIM domains 1; plus strand). Cytogenetic location: Xq26.3.
Variant type: single nucleotide variant.
Coding change: c.737-3C>T on transcript NM_001159699.2 (MANE Select); 3 bases into the intron before coding-DNA position 737, C replaced by T.
Molecular consequence: intron variant.
Genome position (GRCh38, 1-based): chrX:136,209,868, C>T. VCF-style: chrX-136209868-C-T. GRCh37 (hg19) VCF-style: chrX-135292027-C-T.
Other names: c.889-3C>T (NM_001159702.3, NM_001369326.1, NM_001369327.2 and 1 more transcripts); c.689-3C>T (NM_001449.5, NM_001369329.1, NM_001369330.1 and 4 more transcripts); c.502-3C>T (NM_001159703.2); c.776-3C>T (NM_001159701.2); c.550-3C>T (NM_001330659.2).
Identifiers: ClinVar variation 3727765 (VCV003727765.2).